The following is an entry in ClinVar:

ClinVar aggregate classification (germline): Uncertain significance. Review status: criteria provided, multiple submitters, no conflicts (2 of 4 stars). 2 submissions from 2 submitters: Uncertain significance (2). Last evaluated 2024-11-09.

Submissions (2):

Ambry Genetics
Classification: Uncertain significance. Last evaluated: 2024-11-09. Review status: criteria provided, single submitter. Criteria: Ambry Variant Classification Scheme 2023. Collection method: clinical testing. Allele origin: germline.

Labcorp Genetics (formerly Invitae), Labcorp
Classification: Uncertain significance. Last evaluated: 2024-05-20. Review status: criteria provided, single submitter. Criteria: Invitae Variant Classification Sherloc (09022015). Collection method: clinical testing. Allele origin: germline.
Comment: This sequence change replaces arginine, which is basic and polar, with glutamine, which is neutral and polar, at codon 405 of the FSCN2 protein (p.Arg405Gln). This variant is present in population databases (rs766816068, gnomAD 0.04%). This variant has not been reported in the literature in individuals affected with FSCN2-related conditions. An algorithm developed to predict the effect of missense changes on protein structure and function (PolyPhen-2) suggests that this variant is likely to be disruptive. In summary, the available evidence is currently insufficient to determine the role of this variant in disease. Therefore, it has been classified as a Variant of Uncertain Significance.

NM_012418.4(FSCN2):c.1142G>A (p.Arg381Gln)

Gene: FSCN2 (fascin actin-bundling protein 2, retinal; plus strand). Cytogenetic location: 17q25.3.
Variant type: single nucleotide variant.
Coding change: c.1142G>A on transcript NM_012418.4 (MANE Select); coding-DNA position 1142, G replaced by A.
Protein change: p.Arg381Gln; replaces arginine 381 with glutamine.
Molecular consequence: missense variant.
Genome position (GRCh38, 1-based): chr17:81,536,658, G>A. VCF-style: chr17-81536658-G-A. GRCh37 (hg19) VCF-style: chr17-79503684-G-A.
Other names: c.1214G>A, p.Arg405Gln (NM_001077182.3); short protein forms R381Q, R405Q.
Identifiers: ClinVar variation 3517471 (VCV003517471.3).